The following is an entry in ClinVar:

ClinVar aggregate classification (germline): Likely benign (1 of 4 stars; one submission).

Conditions:
POPDC1-related condition.

gnomAD v4.1: 469 of 1,594,736 alleles (0.029%); highest among the groups gnomAD compares: African/African-American, 0.19%; no homozygotes.

Submission:

PreventionGenetics, part of Exact Sciences
Classification: Likely benign for POPDC1-related condition. Last evaluated: 2026-04-05. Review status: criteria provided, single submitter. Criteria: ACMG Guidelines, 2015. Collection method: clinical testing. Allele origin: germline.
Comment: This variant is classified as likely benign based on ACMG/AMP sequence variant interpretation guidelines (Richards et al. 2015 PMID: 25741868, with internal and published modifications).

NM_001199563.2(POPDC1):c.642A>G (p.Lys214=)

Gene: POPDC1 (popeye domain cAMP effector 1; minus strand). Cytogenetic location: 6q21.
Variant type: single nucleotide variant.
Coding change: c.642A>G on transcript NM_001199563.2 (MANE Select); coding-DNA position 642, A replaced by G.
Protein change: p.Lys214=; no amino-acid change (lysine 214 retained).
Molecular consequence: synonymous variant.
Genome position (GRCh38, 1-based): chr6:105,124,553, T>C on the plus strand (A>G on the coding strand, the complement: POPDC1 is on the minus strand). VCF-style: chr6-105124553-T-C. GRCh37 (hg19) VCF-style: chr6-105572428-T-C.
Other names: c.642A>G, p.Lys214= (NM_007073.4, NM_147147.4).
Identifiers: ClinVar variation 4993550 (VCV004993550.1).